The following is an entry in ClinVar:

ClinVar aggregate classification (germline): Likely pathogenic (1 of 4 stars; one submission).

Conditions:
Progressive familial intrahepatic cholestasis type 2. Identifiers: Orphanet 79304, MedGen C3489789, MONDO:0011156, OMIM 601847.

Submission:

Natera, Inc.
Classification: Likely pathogenic for Progressive familial intrahepatic cholestasis type 2. Last evaluated: 2025-01-31. Review status: criteria provided, single submitter. Criteria: Natera Variant Classification Schema (03/2026). Collection method: clinical testing. Allele origin: germline.
Comment: The c.941G>A variant in ABCB11 is a nonsense variant predicted to introduce a stop codon at amino acid 314. This variant is expected to result in nonsense mediated decay, truncation, or a dysfunctional protein product. This variant is rare in the general population with a frequency below the threshold expected for the associated phenotype(s). Given the available evidence, this variant is classified as Likely Pathogenic.

NM_003742.4(ABCB11):c.941G>A (p.Trp314Ter)

Gene: ABCB11 (ATP binding cassette subfamily B member 11; minus strand). Cytogenetic location: 2q31.1.
Variant type: single nucleotide variant.
Coding change: c.941G>A on transcript NM_003742.4 (MANE Select); coding-DNA position 941, G replaced by A.
Protein change: p.Trp314Ter; replaces tryptophan 314 with a stop codon.
Molecular consequence: nonsense.
Genome position (GRCh38, 1-based): chr2:168,986,252, C>T on the plus strand (G>A on the coding strand, the complement: ABCB11 is on the minus strand). VCF-style: chr2-168986252-C-T. GRCh37 (hg19) VCF-style: chr2-169842762-C-T.
Other names: short protein forms W314*.
Identifiers: ClinVar variation 4067097 (VCV004067097.2).
Genomic context (GRCh38, chr2:168,986,252, plus strand): 5'-AAGATGAGACACCACACGAATCCAGTAAAGAATCCCATCACTATTCCTTTTCTAATTCCC[C>T]AACGCTGGGCGAACACAAGATTTTTCTCATACCTGTGAAGACAAAATGCTTGAGTCAATT-3'